The following is an entry in ClinVar:

ClinVar aggregate classification (germline): Pathogenic. Review status: criteria provided, multiple submitters, no conflicts (2 of 4 stars). 2 submissions from 2 submitters: Pathogenic (2). Last evaluated 2024-03-12.

Conditions:
Osteogenesis imperfecta type I (OI1). Also called: Lobstein disease; OI, TYPE I; OSTEOGENESIS IMPERFECTA TARDA; OSTEOGENESIS IMPERFECTA WITH BLUE SCLERAE; Lobstein's Disease; Osteogenesis imperfecta type 1. Identifiers: Orphanet 216796, Orphanet 666, MedGen C0023931, MONDO:0008146, OMIM 166200. Disease mechanism: loss of function.

Submissions (2):

Labcorp Genetics (formerly Invitae), Labcorp
Classification: Pathogenic for Osteogenesis imperfecta type I. Last evaluated: 2024-03-12. Review status: criteria provided, single submitter. Criteria: Invitae Variant Classification Sherloc (09022015). Collection method: clinical testing. Allele origin: germline.
Comment: This sequence change creates a premature translational stop signal (p.Pro313Leufs*228) in the COL1A1 gene. It is expected to result in an absent or disrupted protein product. Loss-of-function variants in COL1A1 are known to be pathogenic (PMID: 7942841, 9295084, 9443882). This variant is not present in population databases (gnomAD no frequency). This variant has not been reported in the literature in individuals affected with COL1A1-related conditions. ClinVar contains an entry for this variant (Variation ID: 803436). For these reasons, this variant has been classified as Pathogenic.

Mendelics
Classification: Pathogenic for Osteogenesis imperfecta type I. Last evaluated: 2019-05-28. Review status: criteria provided, single submitter. Criteria: Mendelics Assertion Criteria 2017. Collection method: clinical testing. Allele origin: unknown.

Literature cited by the submitters: PubMed 7942841 (cited by Labcorp Genetics (formerly Invitae), Labcorp); PubMed 9295084 (cited by Labcorp Genetics (formerly Invitae), Labcorp); PubMed 9443882 (cited by Labcorp Genetics (formerly Invitae), Labcorp).

NM_000088.4(COL1A1):c.938del (p.Pro313fs)

Gene: COL1A1 (collagen type I alpha 1 chain; minus strand). Cytogenetic location: 17q21.33.
Variant type: Deletion.
Coding change: c.938del on transcript NM_000088.4 (MANE Select); coding-DNA position 938, one base deleted (C; older notation c.938delC).
Protein change: p.Pro313fs; shifts the reading frame from proline 313.
Molecular consequence: frameshift variant.
Genome position (GRCh38, 1-based): chr17:50,196,333, G deleted on the plus strand (C on the coding strand, the reverse complement: COL1A1 is on the minus strand); the first of 3 consecutive G bases (chr17:50,196,333-50,196,335); deleting any one gives the same sequence. VCF-style (leftmost placement, unchanged base first): chr17-50196332-AG-A. GRCh37 (hg19) VCF-style: chr17-48273693-AG-A.
Other names: short protein forms P313fs.
Identifiers: ClinVar variation 803436 (VCV000803436.4), dbSNP rs1598298292, ClinGen allele CA915950619.